The following is an entry in ClinVar:

ClinVar aggregate classification (germline): Uncertain significance. Review status: criteria provided, multiple submitters, no conflicts (2 of 4 stars). 2 submissions from 2 submitters: Uncertain significance (2). Last evaluated 2024-05-24.

Conditions:
Autosomal recessive limb-girdle muscular dystrophy type 2J (LGMDR10). Also called: Limb-girdle muscular dystrophy, type 2J; MUSCULAR DYSTROPHY, LIMB-GIRDLE, AUTOSOMAL RECESSIVE 10. Identifiers: Orphanet 140922, MedGen C1837342, MONDO:0012127, OMIM 608807.
Dilated cardiomyopathy 1G (CMD1G). Identifiers: Orphanet 154, MedGen C1858763, MONDO:0011400, OMIM 604145.

Allele frequency attached by ClinVar (database versions not stated): gnomAD exomes below 0.00001 and 0.00004; ESP Exome Variant Server 0.00008; ExAC 0.00001; gnomAD 0.00001; TOPMed 0.00001.
gnomAD v4.1: 55 of 1,613,670 alleles (0.0034%); highest among the groups gnomAD compares: Non-Finnish European, 0.0047%; no homozygotes.

Submissions (2):

GeneDx
Classification: Uncertain significance. Last evaluated: 2024-05-24. Review status: criteria provided, single submitter. Criteria: GeneDx Variant Classification Process June 2021. Collection method: clinical testing. Allele origin: germline. Affected: yes.
Comment: Not observed at significant frequency in large population cohorts (gnomAD); Missense variant in a gene in which most reported pathogenic variants are truncating/loss of function; Has not been previously published as pathogenic or benign to our knowledge

Labcorp Genetics (formerly Invitae), Labcorp
Classification: Uncertain significance for Dilated cardiomyopathy 1G; Autosomal recessive limb-girdle muscular dystrophy type 2J. Last evaluated: 2017-12-26. Review status: criteria provided, single submitter. Criteria: Invitae Variant Classification Sherloc (09022015). Collection method: clinical testing. Allele origin: germline.
Comment: This sequence change replaces lysine with arginine at codon 31228 of the TTN protein (p.Lys31228Arg). There is a small physicochemical difference between lysine and arginine. This variant is present in population databases (rs368714667, ExAC 0.002%). This variant has not been reported in the literature in individuals with TTN-related disease. This variant identified in the TTN gene is located in the A band of the resulting protein (PMID: 25589632). It is unclear how this variant impacts the function of this protein. Algorithms developed to predict the effect of missense changes on protein structure and function are unavailable for the TTN gene. Algorithms developed to predict the effect of sequence changes on RNA splicing suggest that this variant may create or strengthen a splice site, but this prediction has not been confirmed by published transcriptional studies. In summary, the available evidence is currently insufficient to determine the role of this variant in disease. Therefore, it has been classified as a Variant of Uncertain Significance.

Literature cited by the submitters: PubMed 25589632 (cited by Labcorp Genetics (formerly Invitae), Labcorp).

NM_001267550.2(TTN):c.93683A>G (p.Lys31228Arg)

Genes: TTN (titin; minus strand), TTN-AS1 (TTN antisense RNA 1; plus strand). Cytogenetic location: 2q31.2.
Variant type: single nucleotide variant.
Coding change: c.93683A>G on transcript NM_001267550.2 (MANE Select); coding-DNA position 93683, A replaced by G.
Protein change: p.Lys31228Arg; replaces lysine 31228 with arginine.
Molecular consequence: missense variant.
Genome position (GRCh38, 1-based): chr2:178,547,943, T>C on the plus strand (A>G on the coding strand, the complement: TTN is on the minus strand). VCF-style: chr2-178547943-T-C. GRCh37 (hg19) VCF-style: chr2-179412670-T-C.
Other names: c.66488A>G, p.Lys22163Arg (NM_003319.4); c.88760A>G, p.Lys29587Arg (NM_001256850.1); c.85979A>G, p.Lys28660Arg (NM_133378.4); c.66863A>G, p.Lys22288Arg (NM_133432.3); c.67064A>G, p.Lys22355Arg (NM_133437.4); c.93683A>G (NM_001267550.1); short protein forms K31228R, K22288R, K28660R, K22163R, K22355R, K29587R.
Identifiers: ClinVar variation 535010 (VCV000535010.4), dbSNP rs368714667, ClinGen allele CA1987265.